The following is an entry in ClinVar:

NM_001366145.2(TRPM3):c.2956T>G (p.Cys986Gly)

Gene: TRPM3 (transient receptor potential cation channel subfamily M member 3; minus strand). Cytogenetic location: 9q21.12.
Variant type: single nucleotide variant.
Coding change: c.2956T>G on transcript NM_001366145.2 (MANE Select); coding-DNA position 2956, T replaced by G.
Protein change: p.Cys986Gly; replaces cysteine 986 with glycine.
Molecular consequence: missense variant.
Genome position (GRCh38, 1-based): chr9:70,598,511, A>C on the plus strand (T>G on the coding strand, the complement: TRPM3 is on the minus strand). VCF-style: chr9-70598511-A-C. GRCh37 (hg19) VCF-style: chr9-73213427-A-C.
Other names: c.2920T>G, p.Cys974Gly (NM_001007471.4, NM_001366151.2); c.2926T>G, p.Cys976Gly (NM_001366141.2, NM_001366143.2, NM_001366149.2); c.2962T>G, p.Cys988Gly (NM_001366142.2); c.2956T>G, p.Cys986Gly (NM_001366146.2); c.3031T>G, p.Cys1011Gly (NM_001366147.2, NM_001366152.2); c.3001T>G, p.Cys1001Gly (NM_001366148.2); c.2890T>G, p.Cys964Gly (NM_001366150.2); c.2497T>G, p.Cys833Gly (NM_001366154.2, NM_024971.7); and 5 more; short protein forms C1001G, C1011G, C811G, C821G, C823G, C833G, C836G, C846G.
Identifiers: ClinVar variation 4855209 (VCV004855209.1).
Genomic context (GRCh38, chr9:70,598,511, plus strand): 5'-AATACTTGTTCACGCCGAAGATGTCTAGGAGACGGATATACCAGTAAATGATGTTCACGC[A>C]GTAGATGACCCTCCCGTCACTCCTGAAGGGCTGGTCTTGGAGACGAAGGATCATTCCGAC-3'
Protein context (NP_001353074.1, residues 976-996): PFRSDGRVIY[Cys986Gly]VNIIYWYIRL

ClinVar aggregate classification (germline): Uncertain significance (1 of 4 stars; one submission).

Conditions:
Neurodevelopmental disorder with hypotonia, dysmorphic facies, and skeletal anomalies, with or without seizures (NEDFSS). Also called: TRPM3-Related Neurodevelopmental Disorder. Identifiers: MedGen C5830244, MONDO:0859365, OMIM 620224.

gnomAD v4.1: 1 of 1,614,234 alleles (0.000062%); highest among the groups gnomAD compares: Admixed American, 0.0017%; no homozygotes.

Submission:

3billion
Classification: Uncertain significance for Neurodevelopmental disorder with hypotonia, dysmorphic facies, and skeletal anomalies, with or without seizures. Last evaluated: 2025-09-11. Review status: criteria provided, single submitter. Criteria: ACMG Guidelines, 2015. Collection method: clinical testing. Allele origin: germline. Affected: yes.
Comment: The variant is observed at an extremely low frequency in the gnomAD v4.1.0 dataset (total allele frequency: <0.001%). Predicted Consequence/Location: Missense variant. Missense changes are a common disease-causing mechanism. In silico tool predictions suggest damaging effect of the variant on gene or gene product [REVEL: 0.89 (>=0.6, sensitivity 0.68 and specificity 0.92); 3Cnet: 0.93 (> 0.75, sensitivity 0.96 and precision 0.92)]. Different missense changes at the same codon have been reported as of uncertain significance (ClinVar ID: VCV001335728). Therefore, this variant is classified as VUS according to the recommendation of ACMG/AMP guideline.